The following is an entry in ClinVar:

ClinVar aggregate classification (germline): Uncertain significance (1 of 4 stars; one submission).

Conditions:
Amyotrophic lateral sclerosis type 1 (ALS1). Also called: AMYOTROPHIC LATERAL SCLEROSIS 1, FAMILIAL. Identifiers: Orphanet 803, MedGen C1862939, MONDO:0007103, OMIM 105400.
Neuronopathy, distal hereditary motor, type 7B. Also called: NEURONOPATHY, DISTAL HEREDITARY MOTOR, AUTOSOMAL DOMINANT 14; NEURONOPATHY, DISTAL HEREDITARY MOTOR, HARDING TYPE VIIB; NEUROPATHY, DISTAL HEREDITARY MOTOR, HARDING TYPE VIIB; NEUROPATHY, DISTAL HEREDITARY MOTOR, WITH VOCAL CORD PARALYSIS, HARDING TYPE VIIB; HMN VIIB; LOWER MOTOR NEURON DISEASE, DYNACTIN TYPE. Identifiers: Orphanet 139589, MedGen C1843315, MONDO:0011879, OMIM 607641.
Perry syndrome. Also called: PARKINSONISM WITH ALVEOLAR HYPOVENTILATION AND MENTAL DEPRESSION. Identifiers: Orphanet 178509, MedGen C1868594, MONDO:0008201, OMIM 168605.

Allele frequency attached by ClinVar (database versions not stated): ExAC 0.00001.
gnomAD v4.1: 10 of 1,614,184 alleles (0.00062%); highest among the groups gnomAD compares: Non-Finnish European, 0.00085%; no homozygotes.

Submission:

Labcorp Genetics (formerly Invitae), Labcorp
Classification: Uncertain significance for Amyotrophic lateral sclerosis type 1; Neuronopathy, distal hereditary motor, type 7B; Perry syndrome. Last evaluated: 2025-07-14. Review status: criteria provided, single submitter. Criteria: Invitae Variant Classification Sherloc (09022015). Collection method: clinical testing. Allele origin: germline.
Comment: This sequence change replaces arginine, which is basic and polar, with histidine, which is basic and polar, at codon 369 of the DCTN1 protein (p.Arg369His). This variant is present in population databases (rs765995146, gnomAD 0.0009%). This variant has not been reported in the literature in individuals affected with DCTN1-related conditions. ClinVar contains an entry for this variant (Variation ID: 2052345). Invitae Evidence Modeling of protein sequence and biophysical properties (such as structural, functional, and spatial information, amino acid conservation, physicochemical variation, residue mobility, and thermodynamic stability) has been performed for this missense variant. However, the output from this modeling did not meet the statistical confidence thresholds required to predict the impact of this variant on DCTN1 protein function. In summary, the available evidence is currently insufficient to determine the role of this variant in disease. Therefore, it has been classified as a Variant of Uncertain Significance.

NM_004082.5(DCTN1):c.1106G>A (p.Arg369His)

Gene: DCTN1 (dynactin subunit 1; minus strand). Cytogenetic location: 2p13.1.
Variant type: single nucleotide variant.
Coding change: c.1106G>A on transcript NM_004082.5 (MANE Select); coding-DNA position 1106, G replaced by A.
Protein change: p.Arg369His; replaces arginine 369 with histidine.
Molecular consequence: missense variant. On other transcripts: non-coding transcript variant (1).
Genome position (GRCh38, 1-based): chr2:74,370,487, C>T on the plus strand (G>A on the coding strand, the complement: DCTN1 is on the minus strand). VCF-style: chr2-74370487-C-T. GRCh37 (hg19) VCF-style: chr2-74597614-C-T.
Other names: c.1046G>A, p.Arg349His (NM_001135040.3); c.704G>A, p.Arg235His (NM_001135041.3, NM_023019.4); c.995G>A, p.Arg332His (NM_001190836.2); c.1085G>A, p.Arg362His (NM_001190837.2); c.1055G>A, p.Arg352His (NM_001378991.1); c.1037G>A, p.Arg346His (NM_001378992.1); short protein forms R332H, R369H, R346H, R235H, R349H, R352H, R362H.
Identifiers: ClinVar variation 2052345 (VCV002052345.4), dbSNP rs765995146, ClinGen allele CA1722246.